The following is an entry in ClinVar:

ClinVar aggregate classification (germline): Likely benign (0 of 4 stars; one submission).

Conditions:
SMO-related disorder. Also called: SMO-related condition.

gnomAD v4.1: 4 of 1,610,276 alleles (0.00025%); highest among the groups gnomAD compares: East Asian, 0.0067%; no homozygotes.

Submission:

PreventionGenetics, part of Exact Sciences
Classification: Likely benign for SMO-related condition. Last evaluated: 2024-06-10. Review status: no assertion criteria provided. Collection method: clinical testing. Allele origin: germline.
Comment: This variant is classified as likely benign based on ACMG/AMP sequence variant interpretation guidelines (Richards et al. 2015 PMID: 25741868, with internal and published modifications).

NM_005631.5(SMO):c.1467-6C>T

Gene: SMO (smoothened, frizzled class receptor; plus strand). Cytogenetic location: 7q32.1.
Variant type: single nucleotide variant.
Coding change: c.1467-6C>T on transcript NM_005631.5 (MANE Select); 6 bases into the intron before coding-DNA position 1467, C replaced by T.
Molecular consequence: intron variant.
Genome position (GRCh38, 1-based): chr7:129,210,357, C>T. VCF-style: chr7-129210357-C-T. GRCh37 (hg19) VCF-style: chr7-128850198-C-T.
Identifiers: ClinVar variation 3348862 (VCV003348862.1).
Genomic context (GRCh38, chr7:129,210,357, plus strand): 5'-CCTATCTCAAAAAAAGAGAGAGGAAAAGAAAGGAAAGCCTCACCTGTCTACGTTCCCTCA[C>T]TGTAGATGTCAGGCCAATGTGACCATCGGGCTGCCCACCAAGCAGCCCATCCCTGACTGT-3'